The following is an entry in ClinVar:

ClinVar aggregate classification (germline): Benign. Review status: criteria provided, multiple submitters, no conflicts (2 of 4 stars). 2 submissions from 2 submitters: Benign (2). Last evaluated 2018-06-14.

Allele frequency attached by ClinVar (database versions not stated): 1000 Genomes Project 0.17252; 1000 Genomes Project 30x 0.17380; TOPMed 0.24770; gnomAD 0.25923 and 0.26260; gnomAD exomes 0.32248.
gnomAD v4.1: 481,166 of 1,523,450 alleles (32%); highest among the groups gnomAD compares: Non-Finnish European, 36%; 81,853 homozygotes.

Submissions (2):

GeneDx
Classification: Benign. Last evaluated: 2018-06-14. Review status: criteria provided, single submitter. Criteria: GeneDx Variant Classification (06012015). Collection method: clinical testing. Allele origin: germline. Affected: yes.
Comment: This variant is considered likely benign or benign based on one or more of the following criteria: it is a conservative change, it occurs at a poorly conserved position in the protein, it is predicted to be benign by multiple in silico algorithms, and/or has population frequency not consistent with disease.

Breakthrough Genomics
Classification: Benign. Review status: criteria provided, single submitter. Criteria: ACMG Guidelines, 2015. Collection method: not provided. Allele origin: germline. Inheritance: Autosomal dominant inheritance. Affected: yes.

NM_031220.4(PITPNM3):c.1258+84G>T

Gene: PITPNM3 (PITPNM family member 3; minus strand). Cytogenetic location: 17p13.2.
Variant type: single nucleotide variant.
Coding change: c.1258+84G>T on transcript NM_031220.4 (MANE Select); 84 bases into the intron after coding-DNA position 1258, G replaced by T.
Molecular consequence: intron variant.
Genome position (GRCh38, 1-based): chr17:6,474,348, C>A on the plus strand (G>T on the coding strand, the complement: PITPNM3 is on the minus strand). VCF-style: chr17-6474348-C-A. GRCh37 (hg19) VCF-style: chr17-6377668-C-A.
Other names: c.1150+84G>T (NM_001165966.2).
Identifiers: ClinVar variation 677205 (VCV000677205.2), dbSNP rs11078632, ClinGen allele CA14394427.
Genomic context (GRCh38, chr17:6,474,348, plus strand): 5'-CCCTCTCTCCTCTCTTTCCACCTATCCCAACTCTGTGACCCTCCCTGCCCCTGTCCCCGA[C>A]TTCACTCTCCTCATTCTGAGGCCCTGACACGGTGGCCCTAGTGACGCACAGGCACCTCAG-3'